The following is an entry in ClinVar:

NM_003579.4(RAD54L):c.1969T>A (p.Ser657Thr)

Genes: LRRC41 (leucine rich repeat containing 41; minus strand), RAD54L (RAD54 like; plus strand). Cytogenetic location: 1p34.1.
Variant type: single nucleotide variant.
Coding change: c.1969T>A on transcript NM_003579.4 (MANE Select); coding-DNA position 1969, T replaced by A.
Protein change: p.Ser657Thr; replaces serine 657 with threonine.
Molecular consequence: missense variant. On other transcripts: 3 prime UTR variant (1).
Genome position (GRCh38, 1-based): chr1:46,277,916, T>A. VCF-style: chr1-46277916-T-A. GRCh37 (hg19) VCF-style: chr1-46743588-T-A.
Other names: c.*949A>T (NM_006369.5); c.1969T>A, p.Ser657Thr (NM_001142548.2); c.1429T>A, p.Ser477Thr (NM_001370766.1); short protein forms S477T, S657T.
Identifiers: ClinVar variation 1783572 (VCV001783572.3), dbSNP rs1049493326, ClinGen allele CA21899997.
Genomic context (GRCh38, chr1:46,277,916, plus strand): 5'-CACAAGAAGGCACTGAGCAGCTGTGTGGTGGATGAGGAGCAGGATGTAGAGCGCCACTTC[T>A]CTCTGGGCGAGTTGAAGGAGCTGTTTATCCTGGATGAAGCTAGCCTCAGTGACACACATG-3'
Protein context (NP_003570.2, residues 647-667): DEEQDVERHF[Ser657Thr]LGELKELFIL

ClinVar aggregate classification (germline): Uncertain significance (1 of 4 stars; one submission).

Allele frequency attached by ClinVar (database versions not stated): gnomAD exomes 0.00001; TOPMed 0.00001; gnomAD 0.00003.
gnomAD v4.1: 15 of 1,614,004 alleles (0.00093%); highest among the groups gnomAD compares: African/African-American, 0.0013%; no homozygotes.

Submission:

Ambry Genetics
Classification: Uncertain significance. Last evaluated: 2023-08-01. Review status: criteria provided, single submitter. Criteria: Ambry Variant Classification Scheme 2023. Collection method: clinical testing. Allele origin: germline.
Comment: The p.S657T variant (also known as c.1969T>A), located in coding exon 17 of the RAD54L gene, results from a T to A substitution at nucleotide position 1969. The serine at codon 657 is replaced by threonine, an amino acid with similar properties. This amino acid position is conserved. In addition, this alteration is predicted to be tolerated by in silico analysis. Since supporting evidence is limited at this time, the clinical significance of this alteration remains unclear.